The following is an entry in ClinVar:

ClinVar aggregate classification (germline): not provided (0 of 4 stars; one submission).

Submission:

ITMI
No classification provided. Condition: AllHighlyPenetrant. Last evaluated: 2013-09-19. Review status: no classification provided. Collection method: reference population. Allele origin: germline.
Comment: Please see associated publication for description of ethnicities

Literature cited by the submitters: PubMed 24728327.

NM_000051.3(ATM):c.5945A>T (p.Gln1982Leu)

Genes: ATM (ATM serine/threonine kinase; plus strand), C11orf65 (chromosome 11 open reading frame 65; minus strand). Cytogenetic location: 11q22.3.
Variant type: single nucleotide variant.
Coding change: c.5945A>T on transcript NM_000051.3; coding-DNA position 5945, A replaced by T.
Protein change: p.Gln1982Leu; replaces glutamine 1982 with leucine.
Molecular consequence: missense variant (on NM_000051.4). On other transcripts: intron variant (2).
Genome position (GRCh38, 1-based): chr11:108,312,437, A>T. VCF-style: chr11-108312437-A-T. GRCh37 (hg19) VCF-style: chr11-108183164-A-T.
Other names: c.5945A>T, p.Gln1982Leu (NM_000051.4, NM_001351834.2); c.641-3366T>A (NM_001330368.2); c.*39-3366T>A (NM_001351110.2); short protein forms Q1982L.
Identifiers: ClinVar variation 133626 (VCV000133626.3), dbSNP rs543980602, ClinGen allele CA248727.